The following is an entry in ClinVar:

ClinVar aggregate classification (germline): Uncertain significance. Review status: criteria provided, multiple submitters, no conflicts (2 of 4 stars). 2 submissions from 2 submitters: Uncertain significance (2). Last evaluated 2025-05-23.

Allele frequency attached by ClinVar (database versions not stated): ESP Exome Variant Server 0.00015.
gnomAD v4.1: 190 of 1,601,878 alleles (0.012%); highest among the groups gnomAD compares: Non-Finnish European, 0.012%; no homozygotes.

Submissions (2):

GeneDx
Classification: Uncertain significance. Last evaluated: 2025-05-23. Review status: criteria provided, single submitter. Criteria: GeneDx Variant Classification Process June 2021. Collection method: clinical testing. Allele origin: germline. Affected: yes.
Comment: In silico analysis supports that this missense variant has a deleterious effect on protein structure/function; Has not been previously published as pathogenic or benign to our knowledge

Labcorp Genetics (formerly Invitae), Labcorp
Classification: Uncertain significance. Last evaluated: 2021-10-12. Review status: criteria provided, single submitter. Criteria: Invitae Variant Classification Sherloc (09022015). Collection method: clinical testing. Allele origin: germline.
Comment: This sequence change replaces arginine with leucine at codon 2141 of the LAMA5 protein (p.Arg2141Leu). The arginine residue is moderately conserved and there is a moderate physicochemical difference between arginine and leucine. This variant is present in population databases (rs367932546, ExAC 0.03%). This variant has not been reported in the literature in individuals affected with LAMA5-related conditions. Algorithms developed to predict the effect of missense changes on protein structure and function are either unavailable or do not agree on the potential impact of this missense change (SIFT: "Deleterious"; PolyPhen-2: "Benign"; Align-GVGD: "Class C0"). In summary, the available evidence is currently insufficient to determine the role of this variant in disease. Therefore, it has been classified as a Variant of Uncertain Significance.

NM_005560.6(LAMA5):c.6422G>T (p.Arg2141Leu)

Gene: LAMA5 (laminin subunit alpha 5; minus strand). Cytogenetic location: 20q13.33.
Variant type: single nucleotide variant.
Coding change: c.6422G>T on transcript NM_005560.6 (MANE Select); coding-DNA position 6422, G replaced by T.
Protein change: p.Arg2141Leu; replaces arginine 2141 with leucine.
Molecular consequence: missense variant.
Genome position (GRCh38, 1-based): chr20:62,322,093, C>A on the plus strand (G>T on the coding strand, the complement: LAMA5 is on the minus strand). VCF-style: chr20-62322093-C-A. GRCh37 (hg19) VCF-style: chr20-60897149-C-A.
Other names: c.6422G>T (NM_005560.3); short protein forms R2141L.
Identifiers: ClinVar variation 1400378 (VCV001400378.4), dbSNP rs367932546, ClinGen allele CA9941746.